The following is an entry in ClinVar:

NM_021008.4(DEAF1):c.1361T>C (p.Leu454Pro)

Genes: DEAF1 (DEAF1 transcription factor; minus strand), LOC126861109 (BRD4-independent group 4 enhancer GRCh37_chr11:673917-675116; plus strand). Cytogenetic location: 11p15.5.
Variant type: single nucleotide variant.
Coding change: c.1361T>C on transcript NM_021008.4 (MANE Select); coding-DNA position 1361, T replaced by C.
Protein change: p.Leu454Pro; replaces leucine 454 with proline.
Molecular consequence: missense variant.
Genome position (GRCh38, 1-based): chr11:674,678, A>G on the plus strand (T>C on the coding strand, the complement: DEAF1 is on the minus strand). VCF-style: chr11-674678-A-G. GRCh37 (hg19) VCF-style: chr11-674678-A-G.
Other names: c.1232T>C, p.Leu411Pro (NM_001440884.1); c.635T>C, p.Leu212Pro (NM_001440885.1, NM_001440886.1, NM_001440887.1 and 1 more transcripts); c.1094T>C, p.Leu365Pro (NM_001293634.2); c.1361T>C, p.Leu454Pro (NM_001440883.1); short protein forms L212P, L365P, L411P, L454P.
Identifiers: ClinVar variation 5037527 (VCV005037527.1).

ClinVar aggregate classification (germline): Uncertain significance (1 of 4 stars; one submission).

gnomAD v4.1: 1 of 1,613,928 alleles (0.000062%); highest among the groups gnomAD compares: Non-Finnish European, 0.000085%; no homozygotes.

Submission:

GeneDx
Classification: Uncertain significance. Last evaluated: 2026-04-21. Review status: criteria provided, single submitter. Criteria: GeneDx Variant Classification Process June 2021. Collection method: clinical testing. Allele origin: germline.
Comment: Not observed at significant frequency in large population cohorts (gnomAD); In silico analysis suggests that this missense variant does not alter protein structure/function; Has not been previously published as pathogenic or benign to our knowledge